The following is an entry in ClinVar:

ClinVar aggregate classification (germline): Uncertain significance (1 of 4 stars; one submission).

Conditions:
Compton-North congenital myopathy (CMYO12). Identifiers: Orphanet 210163, MedGen C2675527, MONDO:0012929, OMIM 612540.

Allele frequency attached by ClinVar (database versions not stated): gnomAD exomes below 0.00001.
gnomAD v4.1: 4 of 1,614,164 alleles (0.00025%); highest among the groups gnomAD compares: Non-Finnish European, 0.00034%; no homozygotes.

Submission:

Labcorp Genetics (formerly Invitae), Labcorp
Classification: Uncertain significance for Compton-North congenital myopathy. Last evaluated: 2020-12-07. Review status: criteria provided, single submitter. Criteria: Invitae Variant Classification Sherloc (09022015). Collection method: clinical testing. Allele origin: germline.
Comment: This sequence change replaces asparagine with aspartic acid at codon 789 of the CNTN1 protein (p.Asn789Asp). The asparagine residue is moderately conserved and there is a small physicochemical difference between asparagine and aspartic acid. This variant is not present in population databases (ExAC no frequency). This variant has not been reported in the literature in individuals with CNTN1-related conditions. Advanced modeling of protein sequence and biophysical properties (such as structural, functional, and spatial information, amino acid conservation, physicochemical variation, residue mobility, and thermodynamic stability) performed at Invitae indicates that this missense variant is not expected to disrupt CNTN1 protein function. In summary, the available evidence is currently insufficient to determine the role of this variant in disease. Therefore, it has been classified as a Variant of Uncertain Significance.

NM_001843.4(CNTN1):c.2365A>G (p.Asn789Asp)

Gene: CNTN1 (contactin 1; plus strand). Cytogenetic location: 12q12.
Variant type: single nucleotide variant.
Coding change: c.2365A>G on transcript NM_001843.4 (MANE Select); coding-DNA position 2365, A replaced by G.
Protein change: p.Asn789Asp; replaces asparagine 789 with aspartic acid.
Molecular consequence: missense variant.
Genome position (GRCh38, 1-based): chr12:41,016,862, A>G. VCF-style: chr12-41016862-A-G. GRCh37 (hg19) VCF-style: chr12-41410664-A-G.
Other names: c.2332A>G, p.Asn778Asp (NM_175038.2); short protein forms N778D, N789D.
Identifiers: ClinVar variation 1408553 (VCV001408553.8), dbSNP rs2120747529, ClinGen allele CA384587009.
Genomic context (GRCh38, chr12:41,016,862, plus strand): 5'-CATAAAGATGAAACCATGAGCCCTTCCACTGCATTTCAAGTTAAAGTCAAGGCCTTCAAC[A>G]ACAAAGGAGATGGACCTTACAGCCTAGTAGCAGTCATTAATTCAGCACAAGACGGTAGGT-3'
Protein context (NP_001834.2, residues 779-799): AFQVKVKAFN[Asn789Asp]KGDGPYSLVA